The following is an entry in ClinVar:

NM_198253.3(TERT):c.1443G>A (p.Arg481=)

Gene: TERT (telomerase reverse transcriptase; minus strand). Cytogenetic location: 5p15.33.
Variant type: single nucleotide variant.
Coding change: c.1443G>A on transcript NM_198253.3 (MANE Select); coding-DNA position 1443, G replaced by A.
Protein change: p.Arg481=; no amino-acid change (arginine 481 retained).
Molecular consequence: synonymous variant. On other transcripts: non-coding transcript variant (2).
Genome position (GRCh38, 1-based): chr5:1,293,443, C>T on the plus strand (G>A on the coding strand, the complement: TERT is on the minus strand). VCF-style: chr5-1293443-C-T. GRCh37 (hg19) VCF-style: chr5-1293558-C-T.
Other names: c.1443G>A, p.Arg481= (NM_001193376.3); c.1443G>A (NM_198253.2).
Identifiers: ClinVar variation 1126940 (VCV001126940.33), dbSNP rs1373208248, ClinGen allele CA443240646.

ClinVar aggregate classification (germline): Likely benign. Review status: criteria provided, multiple submitters, no conflicts (2 of 4 stars). 3 submissions from 3 submitters: Likely benign (3). Last evaluated 2025-07-14.

Conditions:
Dyskeratosis congenita, autosomal dominant 2. Identifiers: MedGen C3151443, MONDO:0013521, OMIM 613989.
Idiopathic Pulmonary Fibrosis. Also called: Idiopathic fibrosing alveolitis, chronic form; idiopathic fibrosing alveolitis. Identifiers: Orphanet 2032, MedGen C1800706, MeSH D054990, MONDO:0800504.
Dyskeratosis congenita. Identifiers: Orphanet 1775, MedGen C0265965, MONDO:0015780.

Allele frequency attached by ClinVar (database versions not stated): gnomAD exomes below 0.00001 and 0.00001.
gnomAD v4.1: 5 of 1,611,478 alleles (0.00031%); highest among the groups gnomAD compares: South Asian, 0.0022%; 1 homozygote.

Submissions (3):

Labcorp Genetics (formerly Invitae), Labcorp
Classification: Likely benign for Dyskeratosis congenita, autosomal dominant 2; Idiopathic Pulmonary Fibrosis. Last evaluated: 2025-07-14. Review status: criteria provided, single submitter. Criteria: Invitae Variant Classification Sherloc (09022015). Collection method: clinical testing. Allele origin: germline.

Ambry Genetics
Classification: Likely benign for Dyskeratosis congenita. Last evaluated: 2023-04-01. Review status: criteria provided, single submitter. Criteria: Ambry Variant Classification Scheme 2023. Collection method: clinical testing. Allele origin: germline.

CeGaT Center for Human Genetics Tuebingen
Classification: Likely benign. Last evaluated: 2023-01-01. Review status: criteria provided, single submitter. Criteria: CeGaT Center For Human Genetics Tuebingen Variant Classification Criteria Version 2. Collection method: clinical testing. Allele origin: germline. Affected: yes. Observed: 1 variant allele.
Comment: TERT: BP4, BP7